The following is an entry in ClinVar:

NM_002653.5(PITX1):c.251C>A (p.Ala84Asp)

Gene: PITX1 (paired like homeodomain 1; minus strand). Cytogenetic location: 5q31.1.
Variant type: single nucleotide variant.
Coding change: c.251C>A on transcript NM_002653.5 (MANE Select); coding-DNA position 251, C replaced by A.
Protein change: p.Ala84Asp; replaces alanine 84 with aspartic acid.
Molecular consequence: missense variant.
Genome position (GRCh38, 1-based): chr5:135,031,427, G>T on the plus strand (C>A on the coding strand, the complement: PITX1 is on the minus strand). VCF-style: chr5-135031427-G-T. GRCh37 (hg19) VCF-style: chr5-134367117-G-T.
Other names: c.251C>A (NM_002653.4); short protein forms A84D.
Identifiers: ClinVar variation 287966 (VCV000287966.11), dbSNP rs201133610, ClinGen allele CA3417653.

ClinVar aggregate classification (germline): Uncertain significance. Review status: criteria provided, multiple submitters, no conflicts (2 of 4 stars). 3 submissions from 3 submitters: Uncertain significance (3). Last evaluated 2025-08-11.

Allele frequency attached by ClinVar (database versions not stated): gnomAD 0.00001 and 0.00003; TOPMed 0.00004; ExAC 0.00009; gnomAD exomes 0.00010.
gnomAD v4.1: 80 of 1,613,902 alleles (0.005%); highest among the groups gnomAD compares: Non-Finnish European, 0.0035%; no homozygotes.

Submissions (3):

Labcorp Genetics (formerly Invitae), Labcorp
Classification: Uncertain significance. Last evaluated: 2025-08-11. Review status: criteria provided, single submitter. Criteria: Invitae Variant Classification Sherloc (09022015). Collection method: clinical testing. Allele origin: germline.
Comment: This sequence change replaces alanine, which is neutral and non-polar, with aspartic acid, which is acidic and polar, at codon 84 of the PITX1 protein (p.Ala84Asp). This variant is present in population databases (rs201133610, gnomAD 0.2%), and has an allele count higher than expected for a pathogenic variant. This variant has not been reported in the literature in individuals affected with PITX1-related conditions. ClinVar contains an entry for this variant (Variation ID: 287966). Invitae Evidence Modeling of protein sequence and biophysical properties (such as structural, functional, and spatial information, amino acid conservation, physicochemical variation, residue mobility, and thermodynamic stability) indicates that this missense variant is not expected to disrupt PITX1 protein function with a negative predictive value of 80%. In summary, the available evidence is currently insufficient to determine the role of this variant in disease. Therefore, it has been classified as a Variant of Uncertain Significance.

Ambry Genetics
Classification: Uncertain significance. Last evaluated: 2021-12-06. Review status: criteria provided, single submitter. Criteria: Ambry Variant Classification Scheme 2023. Collection method: clinical testing. Allele origin: germline.

Eurofins Ntd Llc (ga)
Classification: Uncertain significance. Last evaluated: 2016-05-17. Review status: criteria provided, single submitter. Criteria: EGL Classification Definitions 2015. Collection method: clinical testing. Allele origin: germline. Observed: 1 variant allele, 1 heterozygote.